The following is an entry in ClinVar:

ClinVar aggregate classification (germline): Uncertain significance. Review status: criteria provided, multiple submitters, no conflicts (2 of 4 stars). 7 submissions from 7 submitters: Uncertain significance (6). 1 of the submissions does not count toward it. Last evaluated 2026-10-20.

Conditions:
Inborn genetic diseases. Identifiers: MedGen C0950123, MeSH D030342.
Muscular dystrophy-dystroglycanopathy (congenital with impaired intellectual development), type B, 3. Also called: Muscular dystrophy-dystroglycanopathy (congenital with intellectual disability), type B3; MUSCULAR DYSTROPHY, CONGENITAL, POMGNT1-RELATED. Identifiers: MedGen C3150412, MONDO:0013155, OMIM 613151.
Autosomal recessive limb-girdle muscular dystrophy type 2O. Also called: MUSCULAR DYSTROPHY-DYSTROGLYCANOPATHY (LIMB-GIRDLE), TYPE C, 3; Limb-Girdle Muscular Dystrophy Type 3C; MUSCULAR DYSTROPHY-DYSTROGLYCANOPATHY, LIMB-GIRDLE, POMGNT1-RELATED. Identifiers: Orphanet 206564, MedGen C3150417, MONDO:0013161, OMIM 613157.
Muscle eye brain disease (MEB). Also called: Santavuori congenital muscular dystrophy. Identifiers: Orphanet 588, Orphanet 899, MedGen C0457133, MONDO:0018939.

Allele frequency attached by ClinVar (database versions not stated): ExAC 0.00002; gnomAD exomes 0.00002; TOPMed 0.00009; gnomAD 0.00011; ESP Exome Variant Server 0.00023.
gnomAD v4.1: 39 of 1,613,954 alleles (0.0024%); highest among the groups gnomAD compares: African/African-American, 0.033%; no homozygotes.

Submissions (7):

GeneDx
Classification: Uncertain significance. Last evaluated: 2026-10-20. Review status: criteria provided, single submitter. Criteria: GeneDx Variant Classification Process June 2021. Collection method: clinical testing. Allele origin: germline.
Comment: In silico analysis suggests that this missense variant does not alter protein structure/function; Has not been previously published as pathogenic or benign to our knowledge; This variant is associated with the following publications: (PMID: 24282183)

Dasa
Classification: Uncertain significance. Last evaluated: 2026-03-19. Review status: criteria provided, single submitter. Criteria: DASA Assertion Criteria. Collection method: clinical testing. Allele origin: germline.
Comment: NM_017739.4(POMGNT1):c.1142A>G (p.Asn381Ser) is a missense variant that results in the substitution of asparagine with serine. This variant has been observed in affected individuals with POMGNT1-related disorders. Also, this variant is rare in population databases. The currently available literature and clinical evidence are not sufficient to establish a definitive association between this variant and the reported condition. Therefore, this variant is classified as a variant of uncertain significance.

Ambry Genetics
Classification: Uncertain significance for Inborn genetic diseases. Last evaluated: 2024-03-25. Review status: criteria provided, single submitter. Criteria: Ambry Variant Classification Scheme 2023. Collection method: clinical testing. Allele origin: germline.

Labcorp Genetics (formerly Invitae), Labcorp
Classification: Uncertain significance for Autosomal recessive limb-girdle muscular dystrophy type 2O; Muscular dystrophy-dystroglycanopathy (congenital with impaired intellectual development), type B, 3. Last evaluated: 2022-08-23. Review status: criteria provided, single submitter. Criteria: Invitae Variant Classification Sherloc (09022015). Collection method: clinical testing. Allele origin: germline.
Comment: This sequence change replaces asparagine, which is neutral and polar, with serine, which is neutral and polar, at codon 381 of the POMGNT1 protein (p.Asn381Ser). This variant is present in population databases (rs140846775, gnomAD 0.04%). This variant has not been reported in the literature in individuals affected with POMGNT1-related conditions. ClinVar contains an entry for this variant (Variation ID: 211937). Advanced modeling of protein sequence and biophysical properties (such as structural, functional, and spatial information, amino acid conservation, physicochemical variation, residue mobility, and thermodynamic stability) performed at Invitae indicates that this missense variant is not expected to disrupt POMGNT1 protein function. Algorithms developed to predict the effect of sequence changes on RNA splicing suggest that this variant may create or strengthen a splice site. In summary, the available evidence is currently insufficient to determine the role of this variant in disease. Therefore, it has been classified as a Variant of Uncertain Significance.

Revvity Omics, Revvity
Classification: Uncertain significance. Last evaluated: 2020-03-03. Review status: criteria provided, single submitter. Criteria: ACMG Guidelines, 2015. Collection method: clinical testing. Allele origin: germline.

Genetic Services Laboratory, University of Chicago
Classification: Uncertain significance. Last evaluated: 2014-09-04. Review status: criteria provided, single submitter. Criteria: ACMG Guidelines, 2015. Collection method: clinical testing. Allele origin: germline.

Natera, Inc.
Classification: Uncertain significance for Muscle-eye-brain disease. Last evaluated: 2019-10-28. Review status: no assertion criteria provided. Collection method: clinical testing. Allele origin: germline. Not counted in ClinVar's aggregate classification.

NM_017739.4(POMGNT1):c.1142A>G (p.Asn381Ser)

Genes: POMGNT1 (protein O-linked mannose N-acetylglucosaminyltransferase 1 (beta 1,2-); minus strand), TSPAN1 (tetraspanin 1; plus strand). Cytogenetic location: 1p34.1.
Variant type: single nucleotide variant.
Coding change: c.1142A>G on transcript NM_017739.4 (MANE Select); coding-DNA position 1142, A replaced by G.
Protein change: p.Asn381Ser; replaces asparagine 381 with serine.
Molecular consequence: missense variant.
Genome position (GRCh38, 1-based): chr1:46,193,184, T>C on the plus strand (A>G on the coding strand, the complement: POMGNT1 is on the minus strand). VCF-style: chr1-46193184-T-C. GRCh37 (hg19) VCF-style: chr1-46658856-T-C.
Other names: c.1142A>G, p.Asn381Ser (NM_001243766.2, NM_001410783.1); c.1076A>G, p.Asn359Ser (NM_001290129.3); c.713A>G, p.Asn238Ser (NM_001290130.2); short protein forms N381S, N359S, N238S.
Identifiers: ClinVar variation 211937 (VCV000211937.17), dbSNP rs140846775, ClinGen allele CA207383.
Genomic context (GRCh38, chr1:46,193,184, plus strand): 5'-GCCCATGTTTCCCCCCTCCCAGGCCCAAGAGTTGTATCCTTAGTACTCACCGGAAACAGG[T>C]TGAAAGTGGCAGTGAGGCTGGCCTTGTAGTGCTGGGAGTGGGGTGGGAATAGGGCACATG-3'
Protein context (NP_060209.4, residues 371-391): HYKASLTATF[Asn381Ser]LFPEAKFAVV